The following is an entry in ClinVar:

ClinVar aggregate classification (germline): Uncertain significance (1 of 4 stars; one submission).

gnomAD v4.1: 199 of 1,513,800 alleles (0.013%); highest among the groups gnomAD compares: South Asian, 0.26%; 3 homozygotes.

Submission:

GeneDx
Classification: Uncertain significance. Last evaluated: 2024-10-29. Review status: criteria provided, single submitter. Criteria: GeneDx Variant Classification Process June 2021. Collection method: clinical testing. Allele origin: germline. Affected: yes.
Comment: In silico analysis indicates that this missense variant does not alter protein structure/function; Has not been previously published as pathogenic or benign to our knowledge

NM_001204077.2(UBE4A):c.2770G>A (p.Asp924Asn)

Genes: UBE4A (ubiquitination factor E4A; plus strand), LOC100131626 (uncharacterized LOC100131626; minus strand). Cytogenetic location: 11q23.3.
Variant type: single nucleotide variant.
Coding change: c.2770G>A on transcript NM_001204077.2 (MANE Select); coding-DNA position 2770, G replaced by A.
Protein change: p.Asp924Asn; replaces aspartic acid 924 with asparagine.
Molecular consequence: missense variant.
Genome position (GRCh38, 1-based): chr11:118,390,658, G>A. VCF-style: chr11-118390658-G-A. GRCh37 (hg19) VCF-style: chr11-118261373-G-A.
Other names: c.2791G>A, p.Asp931Asn (NM_004788.4); short protein forms D924N, D931N.
Identifiers: ClinVar variation 3897401 (VCV003897401.1).